The following is an entry in ClinVar:

NM_033305.3(VPS13A):c.4908dup (p.Thr1637fs)

Gene: VPS13A (vacuolar protein sorting 13 homolog A; plus strand). Cytogenetic location: 9q21.2.
Variant type: Duplication.
Coding change: c.4908dup on transcript NM_033305.3 (MANE Select); coding-DNA position 4908, one base duplicated (T; older notation c.4908dupT).
Protein change: p.Thr1637fs; shifts the reading frame from threonine 1637.
Molecular consequence: frameshift variant.
Genome position (GRCh38, 1-based): chr9:77,317,650, T duplicated. VCF-style (leftmost placement, unchanged base first): chr9-77317649-G-GT. GRCh37 (hg19) VCF-style: chr9-79932565-G-GT.
Other names: c.4791dup, p.Thr1598fs (NM_001018037.2); c.4908dup, p.Thr1637fs (NM_001018038.3, NM_015186.4); short protein forms T1598fs, T1637fs.
Identifiers: ClinVar variation 5013089 (VCV005013089.1).

ClinVar aggregate classification (germline): Pathogenic (1 of 4 stars; one submission).

Conditions:
VPS13A-related neurodegenerative disease. Also called: ACANTHOCYTOSIS WITH NEUROLOGIC DISORDER; LEVINE-CRITCHLEY SYNDROME; Choreoacanthocytosis; Chorea-acanthocytosis; Choreaacanthocytosis; VPS13A Disease. Identifiers: Orphanet 2388, MedGen C0393576, MONDO:0008695, OMIM 200150.

Submission:

Myriad Genetics, Inc.
Classification: Pathogenic for VPS13A-related neurodegenerative disease. Last evaluated: 2024-05-22. Review status: criteria provided, single submitter. Criteria: Myriad Autosomal Dominant, Autosomal Recessive and X-Linked Classification Criteria (2023). Collection method: clinical testing. Allele origin: unknown.
Comment: NM_033305.2(VPS13A):c.4908dupT(T1637Yfs*36) is expected to be pathogenic in the context of VPS13A disease. This variant is predicted to lead to an abnormal or absent protein product due to the creation of a premature termination codon in VPS13A, a gene where loss-of-function variants are known to be pathogenic. Please note: this variant was assessed in the context of healthy population screening.